The following is an entry in ClinVar:

NM_003119.4(SPG7):c.1393C>T (p.Leu465=)

Gene: SPG7 (SPG7 matrix AAA peptidase subunit, paraplegin; plus strand). Cytogenetic location: 16q24.3.
Variant type: single nucleotide variant.
Coding change: c.1393C>T on transcript NM_003119.4 (MANE Select); coding-DNA position 1393, C replaced by T.
Protein change: p.Leu465=; no amino-acid change (leucine 465 retained).
Molecular consequence: synonymous variant.
Genome position (GRCh38, 1-based): chr16:89,544,716, C>T. VCF-style: chr16-89544716-C-T. GRCh37 (hg19) VCF-style: chr16-89611124-C-T.
Other names: c.1393C>T, p.Leu465= (NM_001363850.1).
Identifiers: ClinVar variation 2137129 (VCV002137129.9), dbSNP rs759414021, ClinGen allele CA8244163.

ClinVar aggregate classification (germline): Likely benign. Review status: criteria provided, multiple submitters, no conflicts (2 of 4 stars). 3 submissions from 3 submitters: Likely benign (3). Last evaluated 2026-04-15.

Conditions:
Hereditary spastic paraplegia 7 (SPG7). Also called: SPG7-related neurologic disorder; Spastic paraplegia 7; Hereditary spastic paraplegia Paraplegin type; Autosomal recessive spastic paraplegia type 7; SPASTIC PARAPLEGIA 7, AUTOSOMAL RECESSIVE, WITH OR WITHOUT CEREBELLAR ATAXIA. Identifiers: Orphanet 99013, MedGen C1846564, MONDO:0011803, OMIM 607259.

Allele frequency attached by ClinVar (database versions not stated): gnomAD 0.00001; ExAC 0.00002; gnomAD exomes 0.00002; TOPMed 0.00002.
gnomAD v4.1: 11 of 1,614,052 alleles (0.00068%); highest among the groups gnomAD compares: Admixed American, 0.018%; no homozygotes.

Submissions (3):

Women's Health and Genetics/Laboratory Corporation of America, LabCorp
Classification: Likely benign. Last evaluated: 2026-04-15. Review status: criteria provided, single submitter. Criteria: LabCorp Variant Classification Summary - May 2015. Collection method: clinical testing. Allele origin: germline.

CeGaT Center for Human Genetics Tuebingen
Classification: Likely benign. Last evaluated: 2026-01-01. Review status: criteria provided, single submitter. Criteria: CeGaT Center For Human Genetics Tuebingen Variant Classification Criteria Version 2. Collection method: clinical testing. Allele origin: germline. Affected: yes. Observed: 1 variant allele.
Comment: SPG7: BP4, BP7

Labcorp Genetics (formerly Invitae), Labcorp
Classification: Likely benign for Hereditary spastic paraplegia 7. Last evaluated: 2025-11-04. Review status: criteria provided, single submitter. Criteria: Invitae Variant Classification Sherloc (09022015). Collection method: clinical testing. Allele origin: germline.